The following is an entry in ClinVar:

NM_014780.5(CUL7):c.3011G>A (p.Arg1004His)

Gene: CUL7 (cullin 7; minus strand). Cytogenetic location: 6p21.1.
Variant type: single nucleotide variant.
Coding change: c.3011G>A on transcript NM_014780.5 (MANE Select); coding-DNA position 3011, G replaced by A.
Protein change: p.Arg1004His; replaces arginine 1004 with histidine.
Molecular consequence: missense variant.
Genome position (GRCh38, 1-based): chr6:43,045,254, C>T on the plus strand (G>A on the coding strand, the complement: CUL7 is on the minus strand). VCF-style: chr6-43045254-C-T. GRCh37 (hg19) VCF-style: chr6-43012992-C-T.
Other names: c.3107G>A, p.Arg1036His (NM_001168370.2, NM_001374872.1); c.3011G>A, p.Arg1004His (NM_001374873.1, NM_001374874.1); short protein forms R1036H, R1004H.
Identifiers: ClinVar variation 1437624 (VCV001437624.6), dbSNP rs776358446, ClinGen allele CA3813626.
Genomic context (GRCh38, chr6:43,045,254, plus strand): 5'-CAGACACAAGCATACACGCACACTCTCACACACCTAGAACTCAGGTGCAGGAGGCTCCTG[C>T]GGTCCTCTGCCATGTCCTGGCTCCAGGCCTGTGCCCGAACCATGTAGAAGAGGCGTGTGT-3'
Protein context (NP_055595.2, residues 994-1014): QAWSQDMAED[Arg1004His]RSLLHLSSRL

ClinVar aggregate classification (germline): Uncertain significance (1 of 4 stars; one submission).

Allele frequency attached by ClinVar (database versions not stated): gnomAD 0.00001; gnomAD exomes 0.00001 and 0.00004; TOPMed 0.00002; ExAC 0.00003.
gnomAD v4.1: 18 of 1,614,018 alleles (0.0011%); highest among the groups gnomAD compares: Admixed American, 0.02%; 1 homozygote.

Submission:

Labcorp Genetics (formerly Invitae), Labcorp
Classification: Uncertain significance. Last evaluated: 2024-11-30. Review status: criteria provided, single submitter. Criteria: Invitae Variant Classification Sherloc (09022015). Collection method: clinical testing. Allele origin: germline.
Comment: This sequence change replaces arginine, which is basic and polar, with histidine, which is basic and polar, at codon 1004 of the CUL7 protein (p.Arg1004His). This variant is present in population databases (rs776358446, gnomAD 0.02%), including at least one homozygous and/or hemizygous individual. This variant has not been reported in the literature in individuals affected with CUL7-related conditions. ClinVar contains an entry for this variant (Variation ID: 1437624). Invitae Evidence Modeling of protein sequence and biophysical properties (such as structural, functional, and spatial information, amino acid conservation, physicochemical variation, residue mobility, and thermodynamic stability) indicates that this missense variant is not expected to disrupt CUL7 protein function with a negative predictive value of 80%. In summary, the available evidence is currently insufficient to determine the role of this variant in disease. Therefore, it has been classified as a Variant of Uncertain Significance.